The following is an entry in ClinVar:

NM_000277.3(PAH):c.510-1G>C

Gene: PAH (phenylalanine hydroxylase; minus strand). Cytogenetic location: 12q23.2.
Variant type: single nucleotide variant.
Coding change: c.510-1G>C on transcript NM_000277.3 (MANE Select); the canonical splice acceptor site of the intron before coding-DNA position 510, G replaced by C.
Molecular consequence: splice acceptor variant.
Genome position (GRCh38, 1-based): chr12:102,855,333, C>G on the plus strand (G>C on the coding strand, the complement: PAH is on the minus strand). VCF-style: chr12-102855333-C-G. GRCh37 (hg19) VCF-style: chr12-103249111-C-G.
Other names: NM_001354304.2:c.510-1G>C; c.510-1G>C (NM_001354304.2).
Identifiers: ClinVar variation 1810391 (VCV001810391.1), dbSNP rs1875377960, ClinGen allele CA386297078.

ClinVar aggregate classification (germline): Pathogenic (3 of 4 stars; one submission).

Conditions:
Phenylketonuria (PKU). Also called: Phenylketonurias; OLIGOPHRENIA PHENYLPYRUVICA; FOLLING DISEASE; Phenylketonuria (PKU). Identifiers: Orphanet 716, MedGen C0031485, MONDO:0009861, OMIM 261600. Disease mechanism: loss of function.

Submission:

ClinGen PAH Variant Curation Expert Panel
Classification: Pathogenic for Phenylketonuria. Last evaluated: 2022-12-09. Review status: reviewed by expert panel. Criteria: ClinGen PAH ACMG Specifications v1. Collection method: curation. Allele origin: germline. Inheritance: Autosomal recessive inheritance.
Comment: This c.510-1G>C variant in PAH was detected in a patient with PKU with the pathogenic variant p.Arg111Ter (PMID: 28982351). This variant was absent in population databases. This is a canonical variant in the -1 splice acceptor of intron 5. Exon skipping or use of a cryptic splice site would disrupt reading frame with nonsense mediated decay predicted. In summary, this variant meets criteria to be classified as pathogenic for PAH. PAH-specific ACMG/AMP criteria applied: PVS1, PM2, PM3, PP4.